The following is an entry in ClinVar:

NM_001378457.1(DMXL2):c.3202G>A (p.Val1068Met)

Gene: DMXL2 (Dmx like 2; minus strand). Cytogenetic location: 15q21.2.
Variant type: single nucleotide variant.
Coding change: c.3202G>A on transcript NM_001378457.1 (MANE Select); coding-DNA position 3202, G replaced by A.
Protein change: p.Val1068Met; replaces valine 1068 with methionine.
Molecular consequence: missense variant. On other transcripts: non-coding transcript variant (2), intron variant (2).
Genome position (GRCh38, 1-based): chr15:51,500,022, C>T on the plus strand (G>A on the coding strand, the complement: DMXL2 is on the minus strand). VCF-style: chr15-51500022-C-T. GRCh37 (hg19) VCF-style: chr15-51792219-C-T.
Other names: c.3202G>A, p.Val1068Met (NM_001174116.3, NM_001378458.1, NM_001378459.1 and 4 more transcripts); c.2962G>A, p.Val988Met (NM_001378464.1); c.2764+7112G>A (NM_001378460.1); c.2765-4888G>A (NM_001174117.3); short protein forms V1068M, V988M.
Identifiers: ClinVar variation 1933720 (VCV001933720.5), dbSNP rs1567034382, ClinGen allele CA392437270.
Genomic context (GRCh38, chr15:51,500,022, plus strand): 5'-GCTTATAAGCCACTGCAAGGCGACCTGTGTATGAACAGCTAACAGCAACTGGTCTTCCCA[C>T]AATGCTCACTGTACTGCTATTATCTTCTCCTTCATCATTCATCAAAGGCCATCTCTTCCA-3'
Protein context (NP_001365386.1, residues 1058-1078): GEDNSSTVSI[Val1068Met]GRPVAVSCSY

ClinVar aggregate classification (germline): Uncertain significance (1 of 4 stars; one submission).

Allele frequency attached by ClinVar (database versions not stated): gnomAD 0.00001; TOPMed 0.00002.
gnomAD v4.1: 3 of 1,614,028 alleles (0.00019%); highest among the groups gnomAD compares: Admixed American, 0.0033%; no homozygotes.

Submission:

Labcorp Genetics (formerly Invitae), Labcorp
Classification: Uncertain significance. Last evaluated: 2022-03-27. Review status: criteria provided, single submitter. Criteria: Invitae Variant Classification Sherloc (09022015). Collection method: clinical testing. Allele origin: germline.
Comment: In summary, the available evidence is currently insufficient to determine the role of this variant in disease. Therefore, it has been classified as a Variant of Uncertain Significance. Algorithms developed to predict the effect of missense changes on protein structure and function are either unavailable or do not agree on the potential impact of this missense change (SIFT: "Tolerated"; PolyPhen-2: "Possibly Damaging"; Align-GVGD: "Class C0"). This variant has not been reported in the literature in individuals affected with DMXL2-related conditions. This variant is not present in population databases (gnomAD no frequency). This sequence change replaces valine, which is neutral and non-polar, with methionine, which is neutral and non-polar, at codon 1068 of the DMXL2 protein (p.Val1068Met).